The following is an entry in ClinVar:

NM_001261826.3(AP3D1):c.97-3T>C

Gene: AP3D1 (adaptor related protein complex 3 subunit delta 1; minus strand). Cytogenetic location: 19p13.3.
Variant type: single nucleotide variant.
Coding change: c.97-3T>C on transcript NM_001261826.3 (MANE Select); 3 bases into the intron before coding-DNA position 97, T replaced by C.
Molecular consequence: intron variant.
Genome position (GRCh38, 1-based): chr19:2,138,717, A>G on the plus strand (T>C on the coding strand, the complement: AP3D1 is on the minus strand). VCF-style: chr19-2138717-A-G. GRCh37 (hg19) VCF-style: chr19-2138716-A-G.
Other names: c.97-3T>C (NM_003938.8, NM_001374799.1).
Identifiers: ClinVar variation 2110610 (VCV002110610.4), dbSNP rs1463115015, ClinGen allele CA631080290.

ClinVar aggregate classification (germline): Uncertain significance (1 of 4 stars; one submission).

Allele frequency attached by ClinVar (database versions not stated): gnomAD exomes 0.00001.
gnomAD v4.1: 5 of 1,596,998 alleles (0.00031%); highest among the groups gnomAD compares: South Asian, 0.0044%; no homozygotes.

Submission:

Labcorp Genetics (formerly Invitae), Labcorp
Classification: Uncertain significance. Last evaluated: 2025-03-18. Review status: criteria provided, single submitter. Criteria: Invitae Variant Classification Sherloc (09022015). Collection method: clinical testing. Allele origin: germline.
Comment: This sequence change falls in intron 1 of the AP3D1 gene. It does not directly change the encoded amino acid sequence of the AP3D1 protein. It affects a nucleotide within the consensus splice site. This variant is present in population databases (no rsID available, gnomAD 0.0009%). This variant has not been reported in the literature in individuals affected with AP3D1-related conditions. ClinVar contains an entry for this variant (Variation ID: 2110610). Variants that disrupt the consensus splice site are a relatively common cause of aberrant splicing (PMID: 17576681, 9536098). Algorithms developed to predict the effect of sequence changes on RNA splicing suggest that this variant is not likely to affect RNA splicing. In summary, the available evidence is currently insufficient to determine the role of this variant in disease. Therefore, it has been classified as a Variant of Uncertain Significance.

Literature cited by the submitters: PubMed 17576681; PubMed 9536098.